The following is an entry in ClinVar:

ClinVar aggregate classification (germline): Uncertain significance (1 of 4 stars; one submission).

Conditions:
Epileptic encephalopathy. Identifiers: MedGen C0543888, HP:0200134.

gnomAD v4.1: 1 of 1,612,512 alleles (0.000062%); highest among the groups gnomAD compares: Non-Finnish European, 0.000085%; no homozygotes.

Submission:

Labcorp Genetics (formerly Invitae), Labcorp
Classification: Uncertain significance for Epileptic encephalopathy. Last evaluated: 2025-11-05. Review status: criteria provided, single submitter. Criteria: Invitae Variant Classification Sherloc (09022015). Collection method: clinical testing. Allele origin: germline.
Comment: This sequence change replaces alanine, which is neutral and non-polar, with valine, which is neutral and non-polar, at codon 1060 of the FASN protein (p.Ala1060Val). This variant is not present in population databases (gnomAD no frequency). This variant has not been reported in the literature in individuals affected with FASN-related conditions. An algorithm developed to predict the effect of missense changes on protein structure and function (PolyPhen-2) suggests that this variant is likely to be tolerated. In summary, the available evidence is currently insufficient to determine the role of this variant in disease. Therefore, it has been classified as a Variant of Uncertain Significance.

NM_004104.5(FASN):c.3179C>T (p.Ala1060Val)

Gene: FASN (fatty acid synthase; minus strand). Cytogenetic location: 17q25.3.
Variant type: single nucleotide variant.
Coding change: c.3179C>T on transcript NM_004104.5 (MANE Select); coding-DNA position 3179, C replaced by T.
Protein change: p.Ala1060Val; replaces alanine 1060 with valine.
Molecular consequence: missense variant.
Genome position (GRCh38, 1-based): chr17:82,087,369, G>A on the plus strand (C>T on the coding strand, the complement: FASN is on the minus strand). VCF-style: chr17-82087369-G-A. GRCh37 (hg19) VCF-style: chr17-80045245-G-A.
Other names: short protein forms A1060V.
Identifiers: ClinVar variation 4804044 (VCV004804044.1).
Genomic context (GRCh38, chr17:82,087,369, plus strand): 5'-GCTGGGGCGGGGCTACCTTGGGCCTTGTCCTGCAGTGTGTACAGCTTCTGCCTGTGGGTG[G>A]CAGGGTCGATGTGGATGGCGGTGACACGGGTGGGCAGGTACAGGCCGTGCTTGGCCGAGC-3'
Protein context (NP_004095.4, residues 1050-1070): TRVTAIHIDP[Ala1060Val]THRQKLYTLQ